The following is an entry in ClinVar:

ClinVar aggregate classification (germline): Conflicting classifications of pathogenicity. Review status: criteria provided, conflicting classifications (1 of 4 stars). 14 submissions from 13 submitters: Uncertain significance (8); Likely benign (5). 1 of the submissions does not count toward it. Last evaluated 2026-05-30.

Conditions:
FBN2-related disorder. Also called: FBN2-related condition.
Familial thoracic aortic aneurysm and aortic dissection (TAAD). Also called: Thoracic aortic aneurysms and dissections. Identifiers: Orphanet 91387, MedGen C4707243, MONDO:0019625.
Connective tissue disorder. Also called: Connective tissue disease. Identifiers: MedGen C0009782, MONDO:0003900.
Ehlers-Danlos syndrome (EDS). Identifiers: Orphanet 98249, MedGen C0013720, MONDO:0020066.
Craniosynostosis syndrome. Also called: Craniosynostosis. Identifiers: Orphanet 1531, MedGen C0010278, MeSH D003398, MONDO:0015469, HP:0001363.
Congenital contractural arachnodactyly (CCA). Also called: BEALS SYNDROME; Beals-Hecht syndrome; Arthrogryposis, distal, type 9. Identifiers: Orphanet 115, MedGen C0220668, MONDO:0007363, OMIM 121050.

Allele frequency attached by ClinVar (database versions not stated): ESP Exome Variant Server 0.00015; ExAC 0.00018; gnomAD exomes 0.00022 and 0.00046; TOPMed 0.00026; gnomAD 0.00027 and 0.00029.
gnomAD v4.1: 702 of 1,613,912 alleles (0.043%); highest among the groups gnomAD compares: Non-Finnish European, 0.057%; no homozygotes.

Submissions (14):

PreventionGenetics, part of Exact Sciences
Classification: Uncertain significance for FBN2-related condition. Last evaluated: 2026-05-30. Review status: criteria provided, single submitter. Criteria: ACMG Guidelines, 2015. Collection method: clinical testing. Allele origin: germline.
Comment: The FBN2 c.6946A>T variant is predicted to result in the amino acid substitution p.Ile2316Phe. This variant has been reported in a cohort study of spontaneous coronary artery dissection (Antonutti et al. 2021. PubMed ID: 33190788). This variant is present in 0.048% of alleles in individuals of European (Non-Finnish) descent in gnomAD, which may be too common to be a rarely reported cause of disease. Although we suspect that this variant may be benign, at this time, the clinical significance of this variant is uncertain due to the absence of conclusive functional and genetic evidence.

Labcorp Genetics (formerly Invitae), Labcorp
Classification: Likely benign for Congenital contractural arachnodactyly. Last evaluated: 2026-01-07. Review status: criteria provided, single submitter. Criteria: Invitae Variant Classification Sherloc (09022015). Collection method: clinical testing. Allele origin: germline.

Blueprint Genetics
Classification: Likely benign. Last evaluated: 2024-10-21. Review status: criteria provided, single submitter. Criteria: ACMG Guidelines, 2015. Collection method: clinical testing. Allele origin: germline.

ARUP Laboratories, Molecular Genetics and Genomics, ARUP Laboratories
Classification: Uncertain significance. Last evaluated: 2024-09-05. Review status: criteria provided, single submitter. Criteria: ARUP Molecular Germline Variant Investigation Process 2024. Collection method: clinical testing. Allele origin: germline.
Comment: The FBN2 c.6946A>T; p.Ile2316Phe variant (rs201220519), to our knowledge, is not reported in the medical literature but is reported in ClinVar (Variation ID: 213423). This variant is found in the general population with an overall allele frequency of 0.024% (67/282738 alleles) in the Genome Aggregation Database. The isoleucine at codon 2316 is moderately conserved, but computational analyses predict that this variant is deleterious (REVEL: 0.837). Due to limited information, the clinical significance of the p.Ile2316Phe variant is uncertain at this time.

Women's Health and Genetics/Laboratory Corporation of America, LabCorp
Classification: Likely benign. Last evaluated: 2024-07-15. Review status: criteria provided, single submitter. Criteria: LabCorp Variant Classification Summary - May 2015. Collection method: clinical testing. Allele origin: germline.
Comment: Variant summary: FBN2 c.6946A>T (p.Ile2316Phe) results in a non-conservative amino acid change located in an EGF-like repeat domain (IPR000742) of the encoded protein sequence. Four of four in-silico tools predict a damaging effect of the variant on protein function. The variant allele was found at a frequency of 0.00022 in 251332 control chromosomes. The observed variant frequency is approximately 175-fold of the estimated maximal expected allele frequency for a pathogenic variant in FBN2 causing Aortopathy phenotype (1.3e-06). To our knowledge, no occurrence of c.6946A>T in individuals affected with Aortopathy and no experimental evidence demonstrating its impact on protein function have been reported. ClinVar contains an entry for this variant (Variation ID: 213423). Based on the evidence outlined above, the variant was classified as likely benign.

GeneDx
Classification: Uncertain significance. Last evaluated: 2024-06-28. Review status: criteria provided, single submitter. Criteria: GeneDx Variant Classification Process June 2021. Collection method: clinical testing. Allele origin: germline. Affected: yes.
Comment: Identified in a patient with spontaneous coronary artery dissection (SCAD) in published literature (PMID: 33190788); In silico analysis supports that this missense variant has a deleterious effect on protein structure/function; This variant is associated with the following publications: (PMID: 31815884, 33190788, 19006240, 18767143)

Genome Diagnostics Laboratory, The Hospital for Sick Children
Classification: Uncertain significance for Ehlers-Danlos syndrome. Last evaluated: 2022-01-21. Review status: criteria provided, single submitter. Criteria: ACMG Guidelines, 2015. Collection method: clinical testing. Allele origin: germline.

Genome Diagnostics Laboratory, The Hospital for Sick Children
Classification: Uncertain significance for Connective tissue disorder. Last evaluated: 2022-01-21. Review status: criteria provided, single submitter. Criteria: ACMG Guidelines, 2015. Collection method: clinical testing. Allele origin: germline.

Revvity Omics, Revvity
Classification: Uncertain significance. Last evaluated: 2021-03-03. Review status: criteria provided, single submitter. Criteria: ACMG Guidelines, 2015. Collection method: clinical testing. Allele origin: germline.

Mayo Clinic Laboratories, Mayo Clinic
Classification: Uncertain significance. Last evaluated: 2019-11-25. Review status: criteria provided, single submitter. Criteria: ACMG Guidelines, 2015. Collection method: clinical testing. Allele origin: germline. Observed: 2 variant alleles.

Ambry Genetics
Classification: Likely benign for Familial thoracic aortic aneurysm and aortic dissection. Last evaluated: 2019-05-24. Review status: criteria provided, single submitter. Criteria: Ambry Variant Classification Scheme 2023. Collection method: clinical testing. Allele origin: germline.

Illumina Laboratory Services, Illumina
Classification: Likely benign for Congenital contractural arachnodactyly. Last evaluated: 2018-01-13. Review status: criteria provided, single submitter. Criteria: ICSL Variant Classification Criteria 13 December 2019. Collection method: clinical testing. Allele origin: germline.
Comment: This variant was observed in the ICSL laboratory as part of a predisposition screen in an ostensibly healthy population. It had not been previously curated by ICSL or reported in the Human Gene Mutation Database (HGMD: prior to June 1st, 2018), and was therefore a candidate for classification through an automated scoring system. Utilizing variant allele frequency, disease prevalence and penetrance estimates, and inheritance mode, an automated score was calculated to assess if this variant is too frequent to cause the disease. Based on the score and internal cut-off values, a variant classified as likely benign is not then subjected to further curation. The score for this variant resulted in a classification of likely benign for this disease.

CeGaT Center for Human Genetics Tuebingen
Classification: Uncertain significance. Last evaluated: 2016-09-01. Review status: criteria provided, single submitter. Criteria: CeGaT Center For Human Genetics Tuebingen Variant Classification Criteria Version 2. Collection method: clinical testing. Allele origin: germline. Affected: yes. Observed: 1 variant allele.

Clinical Molecular Genetics Laboratory, Johns Hopkins All Children's Hospital
Classification: Uncertain significance. Last evaluated: 2017-07-28. Review status: no assertion criteria provided. Collection method: clinical testing. Allele origin: germline. Affected: yes. Not counted in ClinVar's aggregate classification.

NM_001999.4(FBN2):c.6946A>T (p.Ile2316Phe)

Gene: FBN2 (fibrillin 2; minus strand). Cytogenetic location: 5q23.3.
Variant type: single nucleotide variant.
Coding change: c.6946A>T on transcript NM_001999.4 (MANE Select); coding-DNA position 6946, A replaced by T.
Protein change: p.Ile2316Phe; replaces isoleucine 2316 with phenylalanine.
Molecular consequence: missense variant.
Genome position (GRCh38, 1-based): chr5:128,286,784, T>A on the plus strand (A>T on the coding strand, the complement: FBN2 is on the minus strand). VCF-style: chr5-128286784-T-A. GRCh37 (hg19) VCF-style: chr5-127622476-T-A.
Other names: short protein forms I2316F.
Identifiers: ClinVar variation 213423 (VCV000213423.78), dbSNP rs201220519, ClinGen allele CA322305.